The following is an entry in ClinVar:

NM_024503.5(HIVEP3):c.1219C>A (p.Pro407Thr)

Gene: HIVEP3 (HIVEP zinc finger 3; minus strand). Cytogenetic location: 1p34.2.
Variant type: single nucleotide variant.
Coding change: c.1219C>A on transcript NM_024503.5 (MANE Select); coding-DNA position 1219, C replaced by A.
Protein change: p.Pro407Thr; replaces proline 407 with threonine.
Molecular consequence: missense variant.
Genome position (GRCh38, 1-based): chr1:41,583,579, G>T on the plus strand (C>A on the coding strand, the complement: HIVEP3 is on the minus strand). VCF-style: chr1-41583579-G-T. GRCh37 (hg19) VCF-style: chr1-42049250-G-T.
Other names: c.1219C>A, p.Pro407Thr (NM_001127714.3); c.1219C>A (NM_024503.4); short protein forms P407T.
Identifiers: ClinVar variation 788715 (VCV000788715.5), dbSNP rs41269477, ClinGen allele CA798296.

ClinVar aggregate classification (germline): Likely benign. Review status: criteria provided, single submitter (1 of 4 stars). 2 submissions from 2 submitters: Likely benign (1). 1 of the submissions does not count toward it. Last evaluated 2018-04-25.

Conditions:
HIVEP3-related disorder. Also called: HIVEP3-related condition.

Allele frequency attached by ClinVar (database versions not stated): 1000 Genomes Project 30x 0.00078; 1000 Genomes Project 0.00080; TOPMed 0.00198; ESP Exome Variant Server 0.00231; gnomAD 0.00241 and 0.00248; gnomAD exomes 0.00311.
gnomAD v4.1: 5,345 of 1,614,098 alleles (0.33%); highest among the groups gnomAD compares: Non-Finnish European, 0.4%; 18 homozygotes.

Submissions (2):

Labcorp Genetics (formerly Invitae), Labcorp
Classification: Likely benign. Last evaluated: 2018-04-25. Review status: criteria provided, single submitter. Criteria: Invitae Variant Classification Sherloc (09022015). Collection method: clinical testing. Allele origin: germline.

PreventionGenetics, part of Exact Sciences
Classification: Likely benign for HIVEP3-related condition. Last evaluated: 2019-05-23. Review status: no assertion criteria provided. Collection method: clinical testing. Allele origin: germline. Not counted in ClinVar's aggregate classification.
Comment: This variant is classified as likely benign based on ACMG/AMP sequence variant interpretation guidelines (Richards et al. 2015 PMID: 25741868, with internal and published modifications).